The following is an entry in ClinVar:

NM_002485.5(NBN):c.994+5T>C

Gene: NBN (nibrin; minus strand). Cytogenetic location: 8q21.3.
Variant type: single nucleotide variant.
Coding change: c.994+5T>C on transcript NM_002485.5 (MANE Select); 5 bases into the intron after coding-DNA position 994, T replaced by C.
Molecular consequence: intron variant.
Genome position (GRCh38, 1-based): chr8:89,964,405, A>G on the plus strand (T>C on the coding strand, the complement: NBN is on the minus strand). VCF-style: chr8-89964405-A-G. GRCh37 (hg19) VCF-style: chr8-90976633-A-G.
Other names: c.748+5T>C (NM_001024688.3).
Identifiers: ClinVar variation 461596 (VCV000461596.16), dbSNP rs778254433, ClinGen allele CA4802840.

ClinVar aggregate classification (germline): Conflicting classifications of pathogenicity. Review status: criteria provided, conflicting classifications (1 of 4 stars). 3 submissions from 3 submitters: Uncertain significance (2); Likely benign (1). Last evaluated 2024-05-22.

Conditions:
Hereditary cancer-predisposing syndrome. Also called: Hereditary neoplastic syndrome; Neoplastic Syndromes, Hereditary; Tumor predisposition; Hereditary Cancer Syndrome. Identifiers: Orphanet 140162, MedGen C0027672, MeSH D009386, MONDO:0015356.
Microcephaly, normal intelligence and immunodeficiency (NBS). Also called: IMMUNODEFICIENCY, MICROCEPHALY, AND CHROMOSOMAL INSTABILITY; SEEMANOVA SYNDROME II; Nijmegen breakage syndrome; Microcephaly with normal intelligence immunodeficiency and lymphoreticular malignancies; Nonsyndromal microcephaly autosomal recessive with normal intelligence; Seemanova syndrome 2. Identifiers: Orphanet 647, MedGen C0398791, MONDO:0009623, OMIM 251260.

Allele frequency attached by ClinVar (database versions not stated): gnomAD exomes below 0.00001 and 0.00001; gnomAD 0.00001; TOPMed 0.00001; ExAC 0.00002.
gnomAD v4.1: 6 of 1,613,552 alleles (0.00037%); highest among the groups gnomAD compares: African/African-American, 0.0013%; no homozygotes.

Submissions (3):

Labcorp Genetics (formerly Invitae), Labcorp
Classification: Likely benign for Microcephaly, normal intelligence and immunodeficiency. Last evaluated: 2024-05-22. Review status: criteria provided, single submitter. Criteria: Invitae Variant Classification Sherloc (09022015). Collection method: clinical testing. Allele origin: germline.

Ambry Genetics
Classification: Uncertain significance for Hereditary cancer-predisposing syndrome. Last evaluated: 2023-06-16. Review status: criteria provided, single submitter. Criteria: Ambry Variant Classification Scheme 2023. Collection method: clinical testing. Allele origin: germline.
Comment: The c.994+5T>C intronic variant results from a T to C substitution 5 nucleotides after coding exon 8 in the NBN gene. This nucleotide position is not well conserved in available vertebrate species. In silico splice site analysis predicts that this alteration will not have any significant effect on splicing. Since supporting evidence is limited at this time, the clinical significance of this alteration remains unclear.

Genome-Nilou Lab
Classification: Uncertain significance for Microcephaly, normal intelligence and immunodeficiency. Last evaluated: 2021-11-07. Review status: criteria provided, single submitter. Criteria: ACMG Guidelines, 2015. Collection method: clinical testing. Allele origin: germline. Affected: no.